The following is an entry in ClinVar:

NM_001942.4(DSG1):c.2435G>A (p.Ser812Asn)

Genes: DSG1 (desmoglein 1; plus strand), DSG1-AS1 (DSG1 antisense RNA 1; minus strand), LOC126862720 (MED14-independent group 3 enhancer GRCh37_chr18:28933613-28934812; plus strand). Cytogenetic location: 18q12.1.
Variant type: single nucleotide variant.
Coding change: c.2435G>A on transcript NM_001942.4 (MANE Select); coding-DNA position 2435, G replaced by A.
Protein change: p.Ser812Asn; replaces serine 812 with asparagine.
Molecular consequence: missense variant.
Genome position (GRCh38, 1-based): chr18:31,354,631, G>A. VCF-style: chr18-31354631-G-A. GRCh37 (hg19) VCF-style: chr18-28934594-G-A.
Other names: short protein forms S812N.
Identifiers: ClinVar variation 2648629 (VCV002648629.27), dbSNP rs991660299, ClinGen allele CA297704350.
Genomic context (GRCh38, chr18:31,354,631, plus strand): 5'-TTGTTAGTGGACACCCACCAATCTCCCCACATTTCGGCACTACCACAGTAATTTCTGAGA[G>A]CACCTATCCCTCGGGACCTGGTGTACTGCATCCTAAGCCTATTCTCGATCCTCTGGGCTA-3'
Protein context (NP_001933.2, residues 802-822): HFGTTTVISE[Ser812Asn]TYPSGPGVLH

ClinVar aggregate classification (germline): Uncertain significance. Review status: criteria provided, multiple submitters, no conflicts (2 of 4 stars). 2 submissions from 2 submitters: Uncertain significance (2). Last evaluated 2025-12-03.

Allele frequency attached by ClinVar (database versions not stated): gnomAD 0.00002; gnomAD exomes 0.00002; TOPMed 0.00002.
gnomAD v4.1: 25 of 1,614,042 alleles (0.0015%); highest among the groups gnomAD compares: Non-Finnish European, 0.0021%; no homozygotes.

Submissions (2):

Labcorp Genetics (formerly Invitae), Labcorp
Classification: Uncertain significance. Last evaluated: 2025-12-03. Review status: criteria provided, single submitter. Criteria: Invitae Variant Classification Sherloc (09022015). Collection method: clinical testing. Allele origin: germline.
Comment: This sequence change replaces serine, which is neutral and polar, with asparagine, which is neutral and polar, at codon 812 of the DSG1 protein (p.Ser812Asn). This variant is present in population databases (no rsID available, gnomAD 0.0009%). This variant has not been reported in the literature in individuals affected with DSG1-related conditions. ClinVar contains an entry for this variant (Variation ID: 2648629). Invitae Evidence Modeling of protein sequence and biophysical properties (such as structural, functional, and spatial information, amino acid conservation, physicochemical variation, residue mobility, and thermodynamic stability) indicates that this missense variant is not expected to disrupt DSG1 protein function with a negative predictive value of 80%. In summary, the available evidence is currently insufficient to determine the role of this variant in disease. Therefore, it has been classified as a Variant of Uncertain Significance.

CeGaT Center for Human Genetics Tuebingen
Classification: Uncertain significance. Last evaluated: 2022-11-01. Review status: criteria provided, single submitter. Criteria: CeGaT Center For Human Genetics Tuebingen Variant Classification Criteria Version 2. Collection method: clinical testing. Allele origin: germline. Affected: yes. Observed: 1 variant allele.
Comment: DSG1: PM2, BP4